The following is an entry in ClinVar:

NM_001171.6(ABCC6):c.1675G>T (p.Glu559Ter)

Gene: ABCC6 (ATP binding cassette subfamily C member 6; minus strand). Cytogenetic location: 16p13.11.
Variant type: single nucleotide variant.
Coding change: c.1675G>T on transcript NM_001171.6 (MANE Select); coding-DNA position 1675, G replaced by T.
Protein change: p.Glu559Ter; replaces glutamic acid 559 with a stop codon.
Molecular consequence: nonsense. On other transcripts: non-coding transcript variant (1).
Genome position (GRCh38, 1-based): chr16:16,188,935, C>A on the plus strand (G>T on the coding strand, the complement: ABCC6 is on the minus strand). VCF-style: chr16-16188935-C-A. GRCh37 (hg19) VCF-style: chr16-16282792-C-A.
Other names: c.1333G>T, p.Glu445Ter (NM_001351800.1); short protein forms E559*, E445*.
Identifiers: ClinVar variation 379894 (VCV000379894.2), dbSNP rs114149656, ClinGen allele CA16608011.

ClinVar aggregate classification (germline): Pathogenic (1 of 4 stars; one submission).

gnomAD v4.1: 4 of 1,614,070 alleles (0.00025%); highest among the groups gnomAD compares: Non-Finnish European, 0.00034%; no homozygotes.

Submission:

GeneDx
Classification: Pathogenic. Last evaluated: 2015-06-03. Review status: criteria provided, single submitter. Criteria: GeneDx Variant Classification (06012015). Collection method: clinical testing. Allele origin: germline. Affected: yes.
Comment: The E559X nonsense variant in the ABCC6 gene is predicted to cause loss of normal protein function either through protein truncation or nonsense-mediated mRNA decay. The E559X variant was not observed in approximately 6,500 individuals of European and African American ancestry in the NHLBI Exome Sequencing Project, indicating it is not a common benign variant in these populations. Although this variant has not been reported previously to our knowledge, we consider it to be pathogenic.